The following is an entry in ClinVar:

NM_032638.5(GATA2):c.1159A>G (p.Thr387Ala)

Gene: GATA2 (GATA binding protein 2; minus strand). Cytogenetic location: 3q21.3.
Variant type: single nucleotide variant.
Coding change: c.1159A>G on transcript NM_032638.5 (MANE Select); coding-DNA position 1159, A replaced by G.
Protein change: p.Thr387Ala; replaces threonine 387 with alanine.
Molecular consequence: missense variant.
Genome position (GRCh38, 1-based): chr3:128,481,303, T>C on the plus strand (A>G on the coding strand, the complement: GATA2 is on the minus strand). VCF-style: chr3-128481303-T-C. GRCh37 (hg19) VCF-style: chr3-128200146-T-C.
Other names: c.1159A>G, p.Thr387Ala (NM_001145661.2); c.1117A>G, p.Thr373Ala (NM_001145662.1); short protein forms T387A, T373A.
Identifiers: ClinVar variation 2936304 (VCV002936304.4), dbSNP rs2472919425, ClinGen allele CA354413361.
Genomic context (GRCh38, chr3:128,481,303, plus strand): 5'-TCTTCTTGGACTTGTTGGACATCTTCCGGTTCCGAGTCTGGATCCCTTCCTTCTTCATGG[T>C]CAGTGGCCTGTTAACCTAGAGGCAACCACCAGTTTTCAGAGGGCCAGTTCCTTCCTCCAG-3'
Protein context (NP_116027.2, residues 377-397): YKLHNVNRPL[Thr387Ala]MKKEGIQTRN

ClinVar aggregate classification (germline): Uncertain significance. Review status: criteria provided, multiple submitters, no conflicts (2 of 4 stars). 2 submissions from 2 submitters: Uncertain significance (2). Last evaluated 2025-11-08.

Conditions:
Inborn genetic diseases. Identifiers: MedGen C0950123, MeSH D030342.
Monocytopenia with susceptibility to infections. Also called: MONOCYTOPENIA AND MYCOBACTERIAL INFECTION SYNDROME; MONOCYTOPENIA WITH SUSCEPTIBILITY TO MYCOBACTERIAL, FUNGAL, AND PAPILLOMAVIRUS INFECTIONS AND MYELODYSPLASIA; COMBINED IMMUNODEFICIENCY WITH SUSCEPTIBILITY TO MYCOBACTERIAL, VIRAL, AND FUNGAL INFECTIONS; Dendritic cell, monocyte, B lymphocyte, and natural killer lymphocyte deficiency; IMMUNODEFICIENCY 21; GATA2 DEFICIENCY. Identifiers: Orphanet 228423, MedGen C3280030, MONDO:0013607, OMIM 614172.
Deafness-lymphedema-leukemia syndrome. Also called: Lymphedema, primary, with myelodysplasia; Emberger syndrome. Identifiers: Orphanet 3226, MedGen C3279664, MONDO:0013540, OMIM 614038.

Submissions (2):

Ambry Genetics
Classification: Uncertain significance for Inborn genetic diseases. Last evaluated: 2025-11-08. Review status: criteria provided, single submitter. Criteria: Ambry Variant Classification Scheme 2023. Collection method: clinical testing. Allele origin: germline.

Labcorp Genetics (formerly Invitae), Labcorp
Classification: Uncertain significance for Monocytopenia with susceptibility to infections; Deafness-lymphedema-leukemia syndrome. Last evaluated: 2023-09-19. Review status: criteria provided, single submitter. Criteria: Invitae Variant Classification Sherloc (09022015). Collection method: clinical testing. Allele origin: germline.
Comment: This sequence change replaces threonine, which is neutral and polar, with alanine, which is neutral and non-polar, at codon 387 of the GATA2 protein (p.Thr387Ala). This variant is not present in population databases (gnomAD no frequency). This variant has not been reported in the literature in individuals affected with GATA2-related conditions. Advanced modeling of protein sequence and biophysical properties (such as structural, functional, and spatial information, amino acid conservation, physicochemical variation, residue mobility, and thermodynamic stability) has been performed at Invitae for this missense variant, however the output from this modeling did not meet the statistical confidence thresholds required to predict the impact of this variant on GATA2 protein function. In summary, the available evidence is currently insufficient to determine the role of this variant in disease. Therefore, it has been classified as a Variant of Uncertain Significance.